The following is an entry in ClinVar:

ClinVar aggregate classification (germline): Uncertain significance (1 of 4 stars; one submission).

Conditions:
Hereditary breast ovarian cancer syndrome. Also called: Hereditary breast and ovarian cancer syndrome (HBOC); Hereditary breast and ovarian cancer syndrome; Breast and ovarian cancer; BRCA1- and BRCA2-Associated Hereditary Breast and Ovarian Cancer; Hereditary breast and ovarian cancer; Hereditary breast and/or ovarian cancer syndrome. Identifiers: Orphanet 145, MedGen C0677776, MeSH D061325, MONDO:0003582. Disease mechanism: loss of function.

Submission:

Labcorp Genetics (formerly Invitae), Labcorp
Classification: Uncertain significance for Hereditary breast ovarian cancer syndrome. Last evaluated: 2023-03-22. Review status: criteria provided, single submitter. Criteria: Invitae Variant Classification Sherloc (09022015). Collection method: clinical testing. Allele origin: germline.
Comment: This sequence change replaces glutamine, which is neutral and polar, with lysine, which is basic and polar, at codon 2580 of the BRCA2 protein (p.Gln2580Lys). This variant is not present in population databases (gnomAD no frequency). This variant has not been reported in the literature in individuals affected with BRCA2-related conditions. Advanced modeling of protein sequence and biophysical properties (such as structural, functional, and spatial information, amino acid conservation, physicochemical variation, residue mobility, and thermodynamic stability) performed at Invitae indicates that this missense variant is not expected to disrupt BRCA2 protein function. In summary, the available evidence is currently insufficient to determine the role of this variant in disease. Therefore, it has been classified as a Variant of Uncertain Significance.

NM_000059.4(BRCA2):c.7738C>A (p.Gln2580Lys)

Gene: BRCA2 (BRCA2 DNA repair associated; plus strand). Cytogenetic location: 13q13.1.
Variant type: single nucleotide variant.
Coding change: c.7738C>A on transcript NM_000059.4 (MANE Select); coding-DNA position 7738, C replaced by A.
Protein change: p.Gln2580Lys; replaces glutamine 2580 with lysine.
Molecular consequence: missense variant. On other transcripts: non-coding transcript variant (1).
Genome position (GRCh38, 1-based): chr13:32,357,862, C>A. VCF-style: chr13-32357862-C-A. GRCh37 (hg19) VCF-style: chr13-32931999-C-A.
Other names: c.7642C>A, p.Gln2548Lys (NM_001406719.1); c.7738C>A, p.Gln2580Lys (NM_001406720.1); c.2806C>A, p.Gln936Lys (NM_001406721.1); c.1321C>A, p.Gln441Lys (NM_001406722.1); short protein forms Q441K, Q2548K, Q936K, Q2580K.
Identifiers: ClinVar variation 2848448 (VCV002848448.3), dbSNP rs80358999, ClinGen allele CA387745610.